The following is an entry in ClinVar:

ClinVar aggregate classification (germline): Uncertain significance (1 of 4 stars; one submission).

Conditions:
X-linked Emery-Dreifuss muscular dystrophy. Also called: Muscular dystrophy, tardive Emery-Dreifuss type, with contractures. Identifiers: Orphanet 261, Orphanet 98863, MedGen C0751337, MONDO:0010680.

Submission:

Labcorp Genetics (formerly Invitae), Labcorp
Classification: Uncertain significance for X-linked Emery-Dreifuss muscular dystrophy. Last evaluated: 2025-08-26. Review status: criteria provided, single submitter. Criteria: Invitae Variant Classification Sherloc (09022015). Collection method: clinical testing. Allele origin: germline.
Comment: This sequence change replaces glutamine, which is neutral and polar, with histidine, which is basic and polar, at codon 222 of the EMD protein (p.Gln222His). This variant is not present in population databases (gnomAD no frequency). This variant has not been reported in the literature in individuals affected with EMD-related conditions. ClinVar contains an entry for this variant (Variation ID: 3707237). Invitae Evidence Modeling of protein sequence and biophysical properties (such as structural, functional, and spatial information, amino acid conservation, physicochemical variation, residue mobility, and thermodynamic stability) indicates that this missense variant is not expected to disrupt EMD protein function with a negative predictive value of 80%. In summary, the available evidence is currently insufficient to determine the role of this variant in disease. Therefore, it has been classified as a Variant of Uncertain Significance.

NM_000117.3(EMD):c.666G>C (p.Gln222His)

Gene: EMD (emerin; plus strand). Cytogenetic location: Xq28.
Variant type: single nucleotide variant.
Coding change: c.666G>C on transcript NM_000117.3 (MANE Select); coding-DNA position 666, G replaced by C.
Protein change: p.Gln222His; replaces glutamine 222 with histidine.
Molecular consequence: missense variant.
Genome position (GRCh38, 1-based): chrX:154,381,098, G>C. VCF-style: chrX-154381098-G-C. GRCh37 (hg19) VCF-style: chrX-153609458-G-C.
Other names: short protein forms Q222H.
Identifiers: ClinVar variation 3707237 (VCV003707237.2).